The following is an entry in ClinVar:

ClinVar aggregate classification (germline): Uncertain significance (1 of 4 stars; one submission).

Conditions:
Ullrich congenital muscular dystrophy 2 (UCMD2). Identifiers: Orphanet 75840, MedGen C4225314, MONDO:0014654, OMIM 616470.
Bethlem myopathy 2 (BTHLM2). Identifiers: Orphanet 536516, Orphanet 610, MedGen C4225313, MONDO:0034022, OMIM 616471.

gnomAD v4.1: 1 of 1,599,950 alleles (0.000063%); highest among the groups gnomAD compares: Non-Finnish European, 0.000085%; no homozygotes.

Submission:

Labcorp Genetics (formerly Invitae), Labcorp
Classification: Uncertain significance for Bethlem myopathy 2; Ullrich congenital muscular dystrophy 2. Last evaluated: 2022-03-07. Review status: criteria provided, single submitter. Criteria: Invitae Variant Classification Sherloc (09022015). Collection method: clinical testing. Allele origin: germline.
Comment: This variant has not been reported in the literature in individuals affected with COL12A1-related conditions. In summary, the available evidence is currently insufficient to determine the role of this variant in disease. Therefore, it has been classified as a Variant of Uncertain Significance. Algorithms developed to predict the effect of sequence changes on RNA splicing suggest that this variant may create or strengthen a splice site. Algorithms developed to predict the effect of missense changes on protein structure and function are either unavailable or do not agree on the potential impact of this missense change (SIFT: "Deleterious"; PolyPhen-2: "Probably Damaging"; Align-GVGD: "Class C0"). This variant is not present in population databases (gnomAD no frequency). This sequence change replaces valine, which is neutral and non-polar, with isoleucine, which is neutral and non-polar, at codon 2363 of the COL12A1 protein (p.Val2363Ile).

NM_004370.6(COL12A1):c.7087G>A (p.Val2363Ile)

Genes: COL12A1 (collagen type XII alpha 1 chain; minus strand), LOC126859712 (MED14-independent group 3 enhancer GRCh37_chr6:75828643-75829842; plus strand). Cytogenetic location: 6q13.
Variant type: single nucleotide variant.
Coding change: c.7087G>A on transcript NM_004370.6 (MANE Select); coding-DNA position 7087, G replaced by A.
Protein change: p.Val2363Ile; replaces valine 2363 with isoleucine.
Molecular consequence: missense variant.
Genome position (GRCh38, 1-based): chr6:75,119,473, C>T on the plus strand (G>A on the coding strand, the complement: COL12A1 is on the minus strand). VCF-style: chr6-75119473-C-T. GRCh37 (hg19) VCF-style: chr6-75829189-C-T.
Other names: c.3595G>A, p.Val1199Ile (NM_080645.3); short protein forms V1199I, V2363I.
Identifiers: ClinVar variation 2103334 (VCV002103334.4), dbSNP rs757745237, ClinGen allele CA364749325.